The following is an entry in ClinVar:

ClinVar aggregate classification (germline): Uncertain significance (1 of 4 stars; one submission).

Conditions:
Shprintzen-Goldberg syndrome (SGS). Also called: SHPRINTZEN-GOLDBERG CRANIOSYNOSTOSIS SYNDROME; CRANIOSYNOSTOSIS WITH ARACHNODACTYLY AND ABDOMINAL HERNIAS; Marfanoid disorder with craniosynostosis type 1; Marfanoid craniosynostosis syndrome; Shprintzen-Goldberg marfanoid syndrome. Identifiers: Orphanet 2462, MedGen C1321551, MONDO:0008426, OMIM 182212.

Allele frequency attached by ClinVar (database versions not stated): gnomAD exomes below 0.00001.
gnomAD v4.1: 2 of 1,600,900 alleles (0.00012%); highest among the groups gnomAD compares: Non-Finnish European, 0.00017%; no homozygotes.

Submission:

Labcorp Genetics (formerly Invitae), Labcorp
Classification: Uncertain significance for Shprintzen-Goldberg syndrome. Last evaluated: 2023-11-06. Review status: criteria provided, single submitter. Criteria: Invitae Variant Classification Sherloc (09022015). Collection method: clinical testing. Allele origin: germline.
Comment: This sequence change replaces glycine, which is neutral and non-polar, with serine, which is neutral and polar, at codon 165 of the SKI protein (p.Gly165Ser). This variant is not present in population databases (gnomAD no frequency). This variant has not been reported in the literature in individuals affected with SKI-related conditions. ClinVar contains an entry for this variant (Variation ID: 652609). Advanced modeling of protein sequence and biophysical properties (such as structural, functional, and spatial information, amino acid conservation, physicochemical variation, residue mobility, and thermodynamic stability) performed at Invitae indicates that this missense variant is expected to disrupt SKI protein function with a positive predictive value of 95%. In summary, the available evidence is currently insufficient to determine the role of this variant in disease. Therefore, it has been classified as a Variant of Uncertain Significance.

NM_003036.4(SKI):c.493G>A (p.Gly165Ser)

Gene: SKI (SKI proto-oncogene; plus strand). Cytogenetic location: 1p36.33.
Variant type: single nucleotide variant.
Coding change: c.493G>A on transcript NM_003036.4 (MANE Select); coding-DNA position 493, G replaced by A.
Protein change: p.Gly165Ser; replaces glycine 165 with serine.
Molecular consequence: missense variant.
Genome position (GRCh38, 1-based): chr1:2,229,259, G>A. VCF-style: chr1-2229259-G-A. GRCh37 (hg19) VCF-style: chr1-2160698-G-A.
Other names: short protein forms G165S.
Identifiers: ClinVar variation 652609 (VCV000652609.8), dbSNP rs1569658999, ClinGen allele CA337953521.